The following is an entry in ClinVar:

NC_000002.12:g.(?_237358501)_(237361194_?)del

Genes: COL6A3 (collagen type VI alpha 3 chain; minus strand), LOC122889011 (Sharpr-MPRA regulatory region 1020; plus strand). Cytogenetic location: 2q37.3.
Variant type: Deletion.
Identifiers: ClinVar variation 583502 (VCV000583502.4).

ClinVar aggregate classification (germline): Pathogenic (1 of 4 stars; one submission).

Conditions:
Bethlem myopathy 1A. Also called: Bethlem myopathy 1; MYOPATHY, BENIGN CONGENITAL, WITH CONTRACTURES; Bethlem Muscular Dystrophy. Identifiers: Orphanet 610, MedGen CN029274, MONDO:0024530, OMIM 158810.

Submission:

Labcorp Genetics (formerly Invitae), Labcorp
Classification: Pathogenic for Bethlem myopathy 1A. Last evaluated: 2020-05-11. Review status: criteria provided, single submitter. Criteria: Invitae Variant Classification Sherloc (09022015). Collection method: clinical testing. Allele origin: germline.
Comment: For these reasons, this variant has been classified as Pathogenic. This deletion includes glycine residues within the collagen triple helix domain. Glycine residues within the Gly-Xaa-Yaa repeats of the triple helix domain are required for the structure and stability of fibrillar collagens (PMID: 7695699, 8218237, 19344236). In COL6A3, missense variants at these glycine residues are significantly enriched in individuals with disease (PMID: 15689448, 24038877) compared to the general population (ExAC). This suggests that a deletion of these glycine residues may also be pathogenic. This variant has not been reported in the literature in individuals with COL6A3-related disease. This variant is an in-frame deletion of the genomic region encompassing exons 16-21 of the COL6A3 gene. It preserves the integrity of the reading frame.

Literature cited by the submitters: PubMed 7695699; PubMed 8218237; PubMed 19344236; PubMed 15689448; PubMed 24038877.